The following is an entry in ClinVar:

ClinVar aggregate classification (germline): Likely pathogenic (1 of 4 stars; one submission).

Conditions:
Hereditary hyperferritinemia with congenital cataracts. Also called: HYPERFERRITINEMIA WITH OR WITHOUT CATARACT; Hereditary hyperferritinemia cataract syndrome; Bonneau-Beaumont syndrome. Identifiers: Orphanet 163, MedGen C1833213, MONDO:0010952, OMIM 600886.

Submission:

Neuberg Centre For Genomic Medicine, NCGM
Classification: Likely pathogenic for Hereditary hyperferritinemia with congenital cataracts. Review status: criteria provided, single submitter. Criteria: ACMG Guidelines, 2015. Collection method: clinical testing. Allele origin: germline. Inheritance: Autosomal dominant inheritance. Affected: yes.
Comment: Loss of function is a known mechanism of disease in this gene. For these reasons, the variant has been classified as Likely Pathogenic.

NM_000503.6(EYA1):c.645T>A (p.Tyr215Ter)

Gene: EYA1 (EYA transcriptional coactivator and phosphatase 1; minus strand). Cytogenetic location: 8q13.3.
Variant type: single nucleotide variant.
Coding change: c.645T>A on transcript NM_000503.6 (MANE Select); coding-DNA position 645, T replaced by A.
Protein change: p.Tyr215Ter; replaces tyrosine 215 with a stop codon.
Molecular consequence: nonsense.
Genome position (GRCh38, 1-based): chr8:71,299,228, A>T on the plus strand (T>A on the coding strand, the complement: EYA1 is on the minus strand). VCF-style: chr8-71299228-A-T. GRCh37 (hg19) VCF-style: chr8-72211463-A-T.
Other names: c.627T>A, p.Tyr209Ter (NM_001288574.2); c.279T>A, p.Tyr93Ter (NM_001288575.2); c.732T>A, p.Tyr244Ter (NM_001370333.1); c.645T>A, p.Tyr215Ter (NM_001370334.1, NM_001370335.1, NM_172058.4); c.714T>A, p.Tyr238Ter (NM_001370336.1); c.546T>A, p.Tyr182Ter (NM_001411797.1, NM_172060.4); c.717T>A, p.Tyr239Ter (NM_172059.5); short protein forms Y182*, Y209*, Y215*, Y238*, Y239*, Y244*, Y93*.
Identifiers: ClinVar variation 4086175 (VCV004086175.1).
Genomic context (GRCh38, chr8:71,299,228, plus strand): 5'-ATACGGTGAGCTGTTATAATACTGTGCGTACTGACCCTGGCCAAAACTGGGATAAGACGG[A>T]TAGTCCTACCAAATCAAACCACACAAGAATTGTCTGTCAAAATACTGCTGCTTATCTCTT-3'